The following is an entry in ClinVar:

ClinVar aggregate classification (germline): Benign. Review status: criteria provided, multiple submitters, no conflicts (2 of 4 stars). 3 submissions from 3 submitters: Benign (3). Last evaluated 2026-02-04.

Allele frequency attached by ClinVar (database versions not stated): gnomAD exomes 0.00846 and 0.02395; ExAC 0.03519; gnomAD 0.08212 and 0.08796; 1000 Genomes Project 0.08397; 1000 Genomes Project 30x 0.08678; TOPMed 0.09450; ESP Exome Variant Server 0.10462.
gnomAD v4.1: 18,453 of 1,157,106 alleles (1.6%); highest among the groups gnomAD compares: African/African-American, 29%; 1,813 homozygotes.

Submissions (3):

Labcorp Genetics (formerly Invitae), Labcorp
Classification: Benign. Last evaluated: 2026-02-04. Review status: criteria provided, single submitter. Criteria: Invitae Variant Classification Sherloc (09022015). Collection method: clinical testing. Allele origin: germline.

GeneDx
Classification: Benign. Last evaluated: 2012-10-24. Review status: criteria provided, single submitter. Criteria: GeneDx Variant Classification (06012015). Collection method: clinical testing. Allele origin: germline. Affected: yes.
Comment: This variant is considered likely benign or benign based on one or more of the following criteria: it is a conservative change, it occurs at a poorly conserved position in the protein, it is predicted to be benign by multiple in silico algorithms, and/or has population frequency not consistent with disease.

Breakthrough Genomics
Classification: Benign. Review status: criteria provided, single submitter. Criteria: ACMG Guidelines, 2015. Collection method: not provided. Allele origin: germline. Inheritance: X-linked inheritance. Affected: yes.

NM_001271696.3(ABCB7):c.2043+17T>A

Gene: ABCB7 (ATP binding cassette subfamily B member 7; minus strand). Cytogenetic location: Xq13.3.
Variant type: single nucleotide variant.
Coding change: c.2043+17T>A on transcript NM_001271696.3 (MANE Select); 17 bases into the intron after coding-DNA position 2043, T replaced by A.
Molecular consequence: intron variant.
Genome position (GRCh38, 1-based): chrX:75,060,206, A>T on the plus strand (T>A on the coding strand, the complement: ABCB7 is on the minus strand). VCF-style: chrX-75060206-A-T. GRCh37 (hg19) VCF-style: chrX-74280041-A-T.
Other names: c.1965+17T>A (NM_001271698.3); c.1923+17T>A (NM_001271697.3); c.1926+17T>A (NM_001271699.3); c.2046+17T>A (NM_004299.6).
Identifiers: ClinVar variation 136247 (VCV000136247.10), dbSNP rs73502896, ClinGen allele CA289230.
Genomic context (GRCh38, chrX:75,060,206, plus strand): 5'-ACAATATTTAAGCTTCTTGTATCTATAACAATTTCCAGTGTTCCTCAAATACTAAACTTT[A>T]AAGTTAAATGTCTTACCTGATCCAAGACAATGATTTCATCTGCATCAACCACTGTTGACA-3'